The following is an entry in ClinVar:

ClinVar aggregate classification (germline): Pathogenic. Review status: reviewed by expert panel (3 of 4 stars). 5 submissions from 5 submitters: Pathogenic (1). 4 of the submissions do not count toward it. Last evaluated 2016-09-08.

Conditions:
Breast-ovarian cancer, familial, susceptibility to, 2 (BROVCA2). Also called: BRCA2 Hereditary Breast and Ovarian Cancer. Identifiers: Orphanet 145, MedGen C2675520, MONDO:0012933, OMIM 612555. Disease mechanism: loss of function.

Submissions (5):

Evidence-based Network for the Interpretation of Germline Mutant Alleles (ENIGMA)
Classification: Pathogenic for Breast-ovarian cancer, familial, susceptibility to, 2. Last evaluated: 2016-09-08. Review status: reviewed by expert panel. Criteria: ENIGMA BRCA1/2 Classification Criteria (2015). Collection method: curation. Allele origin: germline.
Comment: Variant allele predicted to encode a truncated non-functional protein.

Center for Genomic Medicine, Rigshospitalet, Copenhagen University Hospital
Classification: Pathogenic. Last evaluated: 2025-12-29. Review status: criteria provided, single submitter. Criteria: ACMG Guidelines, 2015. Collection method: clinical testing. Allele origin: germline. Not counted in ClinVar's aggregate classification.

Department of Clinical Genetics, Copenhagen University Hospital, Rigshospitalet
Classification: Pathogenic for Breast-ovarian cancer, familial, susceptibility to, 2. Last evaluated: 2024-05-27. Review status: criteria provided, single submitter. Criteria: ACMG Guidelines, 2015. Collection method: clinical testing. Allele origin: germline. Affected: yes. Not counted in ClinVar's aggregate classification.
Comment: PVS1; PM2_supporting; PM5_PTC_Strong

Consortium of Investigators of Modifiers of BRCA1/2 (CIMBA), c/o University of Cambridge
Classification: Pathogenic for Breast-ovarian cancer, familial, susceptibility to, 2. Last evaluated: 2015-10-02. Review status: criteria provided, single submitter. Criteria: CIMBA Mutation Classification guidelines May 2016. Collection method: clinical testing. Allele origin: germline. Not counted in ClinVar's aggregate classification.

Sharing Clinical Reports Project (SCRP)
Classification: Pathogenic for Breast-ovarian cancer, familial 2. Last evaluated: 2007-07-17. Review status: no assertion criteria provided. Collection method: clinical testing. Allele origin: germline. Not counted in ClinVar's aggregate classification.

Literature cited by the submitters: PubMed 25682074 (cited by Center for Genomic Medicine, Rigshospitalet, Copenhagen University Hospital).

NM_000059.4(BRCA2):c.5352del (p.Asn1784fs)

Gene: BRCA2 (BRCA2 DNA repair associated; plus strand). Cytogenetic location: 13q13.1.
Variant type: Deletion.
Coding change: c.5352del on transcript NM_000059.4 (MANE Select); coding-DNA position 5352, one base deleted (C; older notation c.5352delC).
Protein change: p.Asn1784fs; shifts the reading frame from asparagine 1784.
Molecular consequence: frameshift variant.
Genome position (GRCh38, 1-based): chr13:32,339,707, C deleted. VCF-style (leftmost placement, unchanged base first): chr13-32339706-AC-A. GRCh37 (hg19) VCF-style: chr13-32913843-AC-A.
Other names: 5580delC; c.5352delC (NM_000059.3).
Identifiers: ClinVar variation 91413 (VCV000091413.9), dbSNP rs398122531, ClinGen allele CA022119.